The following is an entry in ClinVar:

NM_025074.7(FRAS1):c.7193G>T (p.Arg2398Leu)

Gene: FRAS1 (Fraser extracellular matrix complex subunit 1; plus strand). Cytogenetic location: 4q21.21.
Variant type: single nucleotide variant.
Coding change: c.7193G>T on transcript NM_025074.7 (MANE Select); coding-DNA position 7193, G replaced by T.
Protein change: p.Arg2398Leu; replaces arginine 2398 with leucine.
Molecular consequence: missense variant.
Genome position (GRCh38, 1-based): chr4:78,466,371, G>T. VCF-style: chr4-78466371-G-T. GRCh37 (hg19) VCF-style: chr4-79387525-G-T.
Other names: short protein forms R2398L.
Identifiers: ClinVar variation 2088955 (VCV002088955.1), dbSNP rs535524052, ClinGen allele CA357404212.

ClinVar aggregate classification (germline): Uncertain significance (1 of 4 stars; one submission).

Submission:

Labcorp Genetics (formerly Invitae), Labcorp
Classification: Uncertain significance. Last evaluated: 2022-07-25. Review status: criteria provided, single submitter. Criteria: Invitae Variant Classification Sherloc (09022015). Collection method: clinical testing. Allele origin: germline.
Comment: This sequence change replaces arginine, which is basic and polar, with leucine, which is neutral and non-polar, at codon 2398 of the FRAS1 protein (p.Arg2398Leu). This variant is not present in population databases (gnomAD no frequency). This variant has not been reported in the literature in individuals affected with FRAS1-related conditions. Algorithms developed to predict the effect of missense changes on protein structure and function are either unavailable or do not agree on the potential impact of this missense change (SIFT: "Deleterious"; PolyPhen-2: "Benign"; Align-GVGD: "Class C0"). In summary, the available evidence is currently insufficient to determine the role of this variant in disease. Therefore, it has been classified as a Variant of Uncertain Significance.